The following is an entry in ClinVar:

NM_001113378.2(FANCI):c.970G>T (p.Asp324Tyr)

Gene: FANCI (FA complementation group I; plus strand). Cytogenetic location: 15q26.1.
Variant type: single nucleotide variant.
Coding change: c.970G>T on transcript NM_001113378.2 (MANE Select); coding-DNA position 970, G replaced by T.
Protein change: p.Asp324Tyr; replaces aspartic acid 324 with tyrosine.
Molecular consequence: missense variant.
Genome position (GRCh38, 1-based): chr15:89,273,464, G>T. VCF-style: chr15-89273464-G-T. GRCh37 (hg19) VCF-style: chr15-89816695-G-T.
Other names: c.691G>T, p.Asp231Tyr (NM_001376910.1); c.970G>T, p.Asp324Tyr (NM_001376911.1, NM_018193.3); short protein forms D324Y, D231Y.
Identifiers: ClinVar variation 1470502 (VCV001470502.8), dbSNP rs2151439651, ClinGen allele CA393741467.

ClinVar aggregate classification (germline): Uncertain significance (1 of 4 stars; one submission).

Conditions:
Fanconi anemia (FA). Also called: Fanconi's anemia. Identifiers: Orphanet 84, MedGen C0015625, MeSH D005199, MONDO:0019391.

Submission:

Labcorp Genetics (formerly Invitae), Labcorp
Classification: Uncertain significance for Fanconi anemia. Last evaluated: 2022-08-23. Review status: criteria provided, single submitter. Criteria: Invitae Variant Classification Sherloc (09022015). Collection method: clinical testing. Allele origin: germline.
Comment: In summary, the available evidence is currently insufficient to determine the role of this variant in disease. Therefore, it has been classified as a Variant of Uncertain Significance. Algorithms developed to predict the effect of missense changes on protein structure and function are either unavailable or do not agree on the potential impact of this missense change (SIFT: "Deleterious"; PolyPhen-2: "Benign"; Align-GVGD: "Class C35"). ClinVar contains an entry for this variant (Variation ID: 1470502). This variant has not been reported in the literature in individuals affected with FANCI-related conditions. This variant is not present in population databases (gnomAD no frequency). This sequence change replaces aspartic acid, which is acidic and polar, with tyrosine, which is neutral and polar, at codon 324 of the FANCI protein (p.Asp324Tyr).